The following is an entry in ClinVar:

ClinVar aggregate classification (germline): Benign. Review status: criteria provided, multiple submitters, no conflicts (2 of 4 stars). 2 submissions from 2 submitters: Benign (2). Last evaluated 2024-07-31.

Submissions (2):

Unidad de Genómica Garrahan, Hospital de Pediatría Garrahan
Classification: Benign. Last evaluated: 2024-07-31. Review status: criteria provided, single submitter. Criteria: ACMG Guidelines, 2015. Collection method: clinical testing. Allele origin: germline. Affected: no. Observed: 23 variant alleles.
Comment: This variant is classified as Benign based on local population frequency. This variant was detected in 25% of patients studied in a panel designed for Epileptic and Developmental Encephalopathy, Progressive Myoclonus Epilepsy and Abnormal Movements and Neurodegeneration with brain iron accumulation. Number of patients: 23. Only high quality variants are reported.

GeneDx
Classification: Benign. Last evaluated: 2018-09-26. Review status: criteria provided, single submitter. Criteria: GeneDx Variant Classification Process June 2021. Collection method: clinical testing. Allele origin: germline. Affected: yes.

NM_001242896.3(DEPDC5):c.3155+70del

Gene: DEPDC5 (DEP domain containing 5, GATOR1 subcomplex subunit; plus strand). Cytogenetic location: 22q12.3.
Variant type: Deletion.
Coding change: c.3155+70del on transcript NM_001242896.3 (MANE Select); 70 bases into the intron after coding-DNA position 3155, one base deleted (C; older notation c.3155+70delC).
Molecular consequence: intron variant.
Genome position (GRCh38, 1-based): chr22:31,847,037, C deleted; the last of 3 consecutive C bases (chr22:31,847,035-31,847,037); deleting any one gives the same sequence. VCF-style (leftmost placement, unchanged base first): chr22-31847034-TC-T. GRCh37 (hg19) VCF-style: chr22-32243020-TC-T.
Other names: c.3155+70del (NM_001364318.2, NM_001363852.2, NM_001364320.2); c.3128+70del (NM_001136029.4, NM_014662.6, NM_001369903.1); c.2921+70del (NM_001363854.2, NM_001242897.2, NM_001364319.2); c.3071+70del (NM_001369902.1, NM_001369901.1).
Identifiers: ClinVar variation 1231490 (VCV001231490.5), dbSNP rs3216829, ClinGen allele CA323345553.